The following is an entry in ClinVar:

NM_001379270.1(CNGA1):c.1560del (p.Ala521fs)

Genes: CNGA1 (cyclic nucleotide gated channel subunit alpha 1; minus strand), LOC101927157 (uncharacterized LOC101927157; plus strand). Cytogenetic location: 4p12.
Variant type: Deletion.
Coding change: c.1560del on transcript NM_001379270.1 (MANE Select); coding-DNA position 1560, one base deleted (C; older notation c.1560delC).
Protein change: p.Ala521fs; shifts the reading frame from alanine 521.
Molecular consequence: frameshift variant.
Genome position (GRCh38, 1-based): chr4:47,936,922, G deleted on the plus strand (C on the coding strand, the reverse complement: CNGA1 is on the minus strand). VCF-style (leftmost placement, unchanged base first): chr4-47936921-CG-C. GRCh37 (hg19) VCF-style: chr4-47938938-CG-C.
Other names: c.1560del, p.Ala521fs (NM_000087.5, NM_001142564.2); short protein forms A521fs.
Identifiers: ClinVar variation 1076607 (VCV001076607.7), dbSNP rs1738688368, ClinGen allele CA1061983619.
Genomic context (GRCh38, chr4:47,936,921, plus strand): 5'-CGAAGTAGCTGCCATCGCTCAATACCACAAACTGAGTGACTCCATCATCTGCCACCACAG[CG>C]AGTTTGCCTTCCTTGATAATGTACATCTCTCGTCCGATATCCCCTTTCTTGCAAATATAA-3'

ClinVar aggregate classification (germline): Pathogenic (1 of 4 stars; one submission).

Allele frequency attached by ClinVar (database versions not stated): TOPMed below 0.00001; gnomAD 0.00001.

Submission:

Labcorp Genetics (formerly Invitae), Labcorp
Classification: Pathogenic. Last evaluated: 2022-09-04. Review status: criteria provided, single submitter. Criteria: Invitae Variant Classification Sherloc (09022015). Collection method: clinical testing. Allele origin: germline.
Comment: For these reasons, this variant has been classified as Pathogenic. This variant disrupts a region of the CNGA1 protein in which other variant(s) (p.Arg629*) have been determined to be pathogenic (PMID: 24154662; Invitae). This suggests that this is a clinically significant region of the protein, and that variants that disrupt it are likely to be disease-causing. ClinVar contains an entry for this variant (Variation ID: 1076607). This premature translational stop signal has been observed in individual(s) with retinitis pigmentosa (Invitae). In at least one individual the data is consistent with being in trans (on the opposite chromosome) from a pathogenic variant. This variant is not present in population databases (gnomAD no frequency). This sequence change creates a premature translational stop signal (p.Ala525Leufs*14) in the CNGA1 gene. While this is not anticipated to result in nonsense mediated decay, it is expected to disrupt the last 166 amino acid(s) of the CNGA1 protein.

Literature cited by the submitters: PubMed 24154662.